The following is an entry in ClinVar:

ClinVar aggregate classification (germline): Uncertain significance. Review status: criteria provided, multiple submitters, no conflicts (2 of 4 stars). 2 submissions from 2 submitters: Uncertain significance (2). Last evaluated 2023-06-30.

Allele frequency attached by ClinVar (database versions not stated): gnomAD exomes below 0.00001.
gnomAD v4.1: 2 of 1,614,062 alleles (0.00012%); highest among the groups gnomAD compares: East Asian, 0.0045%; no homozygotes.

Submissions (2):

Ambry Genetics
Classification: Uncertain significance. Last evaluated: 2023-06-30. Review status: criteria provided, single submitter. Criteria: Ambry Variant Classification Scheme 2023. Collection method: clinical testing. Allele origin: germline.

Labcorp Genetics (formerly Invitae), Labcorp
Classification: Uncertain significance. Last evaluated: 2022-02-05. Review status: criteria provided, single submitter. Criteria: Invitae Variant Classification Sherloc (09022015). Collection method: clinical testing. Allele origin: germline.
Comment: In summary, the available evidence is currently insufficient to determine the role of this variant in disease. Therefore, it has been classified as a Variant of Uncertain Significance. Algorithms developed to predict the effect of missense changes on protein structure and function output the following: SIFT: "Tolerated"; PolyPhen-2: "Benign"; Align-GVGD: "Class C0". The serine amino acid residue is found in multiple mammalian species, which suggests that this missense change does not adversely affect protein function. ClinVar contains an entry for this variant (Variation ID: 933284). This variant has not been reported in the literature in individuals affected with ADGRA3-related conditions. This variant is present in population databases (no rsID available, gnomAD 0.006%). This sequence change replaces alanine, which is neutral and non-polar, with serine, which is neutral and polar, at codon 1127 of the ADGRA3 protein (p.Ala1127Ser).

NM_145290.4(ADGRA3):c.3379G>T (p.Ala1127Ser)

Gene: ADGRA3 (adhesion G protein-coupled receptor A3; minus strand). Cytogenetic location: 4p15.2.
Variant type: single nucleotide variant.
Coding change: c.3379G>T on transcript NM_145290.4 (MANE Select); coding-DNA position 3379, G replaced by T.
Protein change: p.Ala1127Ser; replaces alanine 1127 with serine.
Molecular consequence: missense variant.
Genome position (GRCh38, 1-based): chr4:22,388,292, C>A on the plus strand (G>T on the coding strand, the complement: ADGRA3 is on the minus strand). VCF-style: chr4-22388292-C-A. GRCh37 (hg19) VCF-style: chr4-22389915-C-A.
Other names: c.3379G>T (NM_145290.2); short protein forms A1127S.
Identifiers: ClinVar variation 933284 (VCV000933284.11), dbSNP rs1401716242, ClinGen allele CA356472726.